The following is an entry in ClinVar:

NM_005391.5(PDK3):c.674-5T>G

Gene: PDK3 (pyruvate dehydrogenase kinase 3; plus strand). Cytogenetic location: Xp22.11.
Variant type: single nucleotide variant.
Coding change: c.674-5T>G on transcript NM_005391.5 (MANE Select); 5 bases into the intron before coding-DNA position 674, T replaced by G.
Molecular consequence: intron variant.
Genome position (GRCh38, 1-based): chrX:24,526,193, T>G. VCF-style: chrX-24526193-T-G. GRCh37 (hg19) VCF-style: chrX-24544310-T-G.
Other names: c.674-5T>G (NM_001142386.3).
Identifiers: ClinVar variation 1488274 (VCV001488274.6), dbSNP rs2148201118, ClinGen allele CA2573158484.
Genomic context (GRCh38, chrX:24,526,193, plus strand): 5'-ACATCATTCTTGAATTTCTCCTACTTTGGGTCCTTATTGATTGATGGTTTTGTCTCTGTT[T>G]TCAGCCAAAGCGCCAGACAAACCTATTCAGGTGGTTTATGTGCCCTCACATCTGTTTCAT-3'

ClinVar aggregate classification (germline): Uncertain significance (1 of 4 stars; one submission).

Conditions:
Charcot-Marie-Tooth disease X-linked dominant 6. Also called: CHARCOT-MARIE-TOOTH NEUROPATHY, X-LINKED DOMINANT, 6. Identifiers: Orphanet 352675, MedGen C3806702, MONDO:0010479, OMIM 300905.

Submission:

Labcorp Genetics (formerly Invitae), Labcorp
Classification: Uncertain significance for Charcot-Marie-Tooth disease X-linked dominant 6. Last evaluated: 2021-11-11. Review status: criteria provided, single submitter. Criteria: Invitae Variant Classification Sherloc (09022015). Collection method: clinical testing. Allele origin: germline.
Comment: In summary, the available evidence is currently insufficient to determine the role of this variant in disease. Therefore, it has been classified as a Variant of Uncertain Significance. Algorithms developed to predict the effect of sequence changes on RNA splicing suggest that this variant may disrupt the consensus splice site. This variant has not been reported in the literature in individuals affected with PDK3-related conditions. This variant is not present in population databases (gnomAD no frequency). This sequence change falls in intron 6 of the PDK3 gene. It does not directly change the encoded amino acid sequence of the PDK3 protein.